The following is an entry in ClinVar:

NM_001281775.3(ZMYND8):c.805A>T (p.Met269Leu)

Gene: ZMYND8 (zinc finger MYND-type containing 8; minus strand). Cytogenetic location: 20q13.12.
Variant type: single nucleotide variant.
Coding change: c.805A>T on transcript NM_001281775.3 (MANE Select); coding-DNA position 805, A replaced by T.
Protein change: p.Met269Leu; replaces methionine 269 with leucine.
Molecular consequence: missense variant. On other transcripts: initiator codon variant (2).
Genome position (GRCh38, 1-based): chr20:47,283,648, T>A on the plus strand (A>T on the coding strand, the complement: ZMYND8 is on the minus strand). VCF-style: chr20-47283648-T-A. GRCh37 (hg19) VCF-style: chr20-45912392-T-A.
Other names: c.730A>T, p.Met244Leu (NM_001281771.3, NM_001281777.3, NM_001281778.3 and 4 more transcripts); c.745A>T, p.Met249Leu (NM_001281772.3, NM_001281773.3, NM_001281774.3 and 1 more transcripts); c.805A>T, p.Met269Leu (NM_001281776.3, NM_001281783.3, NM_012408.6 and 1 more transcripts); c.1A>T, p.Met1Leu (NM_001281779.3, NM_001281780.3); c.826A>T, p.Met276Leu (NM_001363714.1); short protein forms M1L, M244L, M249L, M269L, M276L.
Identifiers: ClinVar variation 4976488 (VCV004976488.1).
Genomic context (GRCh38, chr20:47,283,648, plus strand): 5'-AGTTATCTCGTTTTTGGCAAGCAGCTAGATAACATTCTGGACATACTTCGATTTCATTCA[T>A]CTGTAAAGCAAAAATACATTAGAATGTGTCACCCCAGGGGTGGATATCTTGTGGACCTCA-3'
Protein context (NP_001268704.1, residues 259-279): KVVIKICEHE[Met269Leu]NEIEVCPECY

ClinVar aggregate classification (germline): Uncertain significance (1 of 4 stars; one submission).

Submission:

GeneDx
Classification: Uncertain significance. Last evaluated: 2026-02-09. Review status: criteria provided, single submitter. Criteria: GeneDx Variant Classification Process June 2021. Collection method: clinical testing. Allele origin: germline.
Comment: Not observed at significant frequency in large population cohorts (gnomAD); In silico analysis suggests that this missense variant does not alter protein structure/function; Has not been previously published as pathogenic or benign to our knowledge